The following is an entry in ClinVar:

ClinVar aggregate classification (germline): Uncertain significance (1 of 4 stars; one submission).

Conditions:
Menkes kinky-hair syndrome (MNK). Also called: Menkes Disease; Copper transport disease; Classic Menkes Disease. Identifiers: Orphanet 565, MedGen C0022716, MONDO:0010651, OMIM 309400.
Cutis laxa, X-linked (OHS). Also called: EDS IX; Occipital horn syndrome. Identifiers: Orphanet 198, MedGen C0268353, MONDO:0010572, OMIM 304150.
X-linked distal spinal muscular atrophy type 3. Also called: ATP7A-Related Distal Motor Neuropathy; SPINAL MUSCULAR ATROPHY, DISTAL, X-LINKED RECESSIVE; NEURONOPATHY, DISTAL HEREDITARY MOTOR, X-LINKED; NEUROPATHY, DISTAL HEREDITARY MOTOR, X-LINKED. Identifiers: Orphanet 139557, MedGen C1845359, MONDO:0010338, OMIM 300489.

gnomAD v4.1: 2 of 1,211,610 alleles (0.00017%); highest among the groups gnomAD compares: Non-Finnish European, 0.00011%; no homozygotes.

Submission:

Labcorp Genetics (formerly Invitae), Labcorp
Classification: Uncertain significance for X-linked distal spinal muscular atrophy type 3; Cutis laxa, X-linked; Menkes kinky-hair syndrome. Last evaluated: 2025-03-04. Review status: criteria provided, single submitter. Criteria: Invitae Variant Classification Sherloc (09022015). Collection method: clinical testing. Allele origin: germline.
Comment: This sequence change replaces glutamine, which is neutral and polar, with arginine, which is basic and polar, at codon 1428 of the ATP7A protein (p.Gln1428Arg). This variant is not present in population databases (gnomAD no frequency). This variant has not been reported in the literature in individuals affected with ATP7A-related conditions. Invitae Evidence Modeling of protein sequence and biophysical properties (such as structural, functional, and spatial information, amino acid conservation, physicochemical variation, residue mobility, and thermodynamic stability) indicates that this missense variant is not expected to disrupt ATP7A protein function with a negative predictive value of 95%. In summary, the available evidence is currently insufficient to determine the role of this variant in disease. Therefore, it has been classified as a Variant of Uncertain Significance.

NM_000052.7(ATP7A):c.4283A>G (p.Gln1428Arg)

Gene: ATP7A (ATPase copper transporting alpha; plus strand). Cytogenetic location: Xq21.1.
Variant type: single nucleotide variant.
Coding change: c.4283A>G on transcript NM_000052.7 (MANE Select); coding-DNA position 4283, A replaced by G.
Protein change: p.Gln1428Arg; replaces glutamine 1428 with arginine.
Molecular consequence: missense variant. On other transcripts: non-coding transcript variant (1).
Genome position (GRCh38, 1-based): chrX:78,046,350, A>G. VCF-style: chrX-78046350-A-G. GRCh37 (hg19) VCF-style: chrX-77301847-A-G.
Other names: c.4049A>G, p.Gln1350Arg (NM_001282224.2); short protein forms Q1350R, Q1428R.
Identifiers: ClinVar variation 4788197 (VCV004788197.1).